The following is an entry in ClinVar:

NM_000080.4(CHRNE):c.1250_1268dup (p.Val424fs)

Gene: CHRNE (cholinergic receptor nicotinic epsilon subunit; minus strand). Cytogenetic location: 17p13.2.
Variant type: Duplication.
Coding change: c.1250_1268dup on transcript NM_000080.4 (MANE Select); coding-DNA positions 1250 to 1268, 19 bases duplicated (CCCCCGAGGTCCGCTGCTG).
Protein change: p.Val424fs; shifts the reading frame from valine 424.
Molecular consequence: frameshift variant.
Genome position (GRCh38, 1-based): chr17:4,899,059-4,899,077, CAGCAGCGGACCTCGGGGG duplicated on the plus strand (CCCCCGAGGTCCGCTGCTG on the coding strand, the reverse complement: CHRNE is on the minus strand); duplicating any 19 consecutive bases within chr17:4,899,059-4,899,078 gives the same sequence; the c. name uses the placement nearest the transcript's 3' end. VCF-style (leftmost placement, unchanged base first): chr17-4899058-A-ACAGCAGCGGACCTCGGGGG. GRCh37 (hg19) VCF-style: chr17-4802353-A-ACAGCAGCGGACCTCGGGGG.
Other names: c.1250_1268dup, p.Val424fs (LRG_1254t1); c.1250_1268dupCCCCCGAGGTCCGCTGCTG (NM_000080.4); short protein forms V424fs.
Identifiers: ClinVar variation 659043 (VCV000659043.7), dbSNP rs781774131, ClinGen allele CA8313911.
Genomic context (GRCh38, chr17:4,899,058, plus strand): 5'-CACCTCGCCGGTGGCCTCCTGATCTCTCGTGCTCTCGGCCACGAAGTTCACGGCATCCAC[A>ACAGCAGCGGACCTCGGGGG]CAGCAGCGGACCTCGGGGGCGGCGGCGCCCAGGCTCTGGCAGAAGGCAGCTGGCGGGGAA-3'

ClinVar aggregate classification (germline): Pathogenic. Review status: criteria provided, single submitter (1 of 4 stars). 2 submissions from 2 submitters: Pathogenic (1). 1 of the submissions does not count toward it. Last evaluated 2024-05-28.

Conditions:
Congenital myasthenic syndrome (CMS). Also called: Congenital Myasthenic Syndromes. Identifiers: Orphanet 590, MedGen C0751882, MeSH D020294, MONDO:0018940.
Congenital myasthenic syndrome 4A. Also called: Myasthenic syndrome, congenital, 4a, slow-channel; MYASTHENIC SYNDROME, CONGENITAL, 4A, SLOW-CHANNEL, AUTOSOMAL RECESSIVE; CONGENITAL MYASTHENIC SYNDROME TYPE Ia1. Identifiers: Orphanet 590, MedGen C4225413, MONDO:0011600, OMIM 605809.

Submissions (2):

Labcorp Genetics (formerly Invitae), Labcorp
Classification: Pathogenic for Congenital myasthenic syndrome 4A. Last evaluated: 2024-05-28. Review status: criteria provided, single submitter. Criteria: Invitae Variant Classification Sherloc (09022015). Collection method: clinical testing. Allele origin: germline.
Comment: This sequence change creates a premature translational stop signal (p.Val424Profs*38) in the CHRNE gene. While this is not anticipated to result in nonsense mediated decay, it is expected to disrupt the last 70 amino acid(s) of the CHRNE protein. This variant is present in population databases (rs781774131, gnomAD 0.03%). This premature translational stop signal has been observed in individual(s) with autosomal recessive congenital myasthenic syndrome (PMID: 11408331). ClinVar contains an entry for this variant (Variation ID: 659043). This variant disrupts a region of the CHRNE protein in which other variant(s) (p.Trp460*, p.Tyr478*) have been determined to be pathogenic (PMID: 12417530; Invitae). This suggests that this is a clinically significant region of the protein, and that variants that disrupt it are likely to be disease-causing. For these reasons, this variant has been classified as Pathogenic.

Natera, Inc.
Classification: Pathogenic for Congenital myasthenic syndrome. Last evaluated: 2020-09-16. Review status: no assertion criteria provided. Collection method: clinical testing. Allele origin: germline. Not counted in ClinVar's aggregate classification.

Literature cited by the submitters: PubMed 11408331 (cited by Labcorp Genetics (formerly Invitae), Labcorp); PubMed 12417530 (cited by Labcorp Genetics (formerly Invitae), Labcorp).